The following is an entry in ClinVar:

ClinVar aggregate classification (germline): Pathogenic/Likely pathogenic. Review status: criteria provided, multiple submitters, no conflicts (2 of 4 stars). 2 submissions from 2 submitters: Pathogenic (1); Likely pathogenic (1). Last evaluated 2026-01-16.

Conditions:
Hermansky-Pudlak syndrome 3 (HPS3). Identifiers: Orphanet 231512, Orphanet 79430, MedGen C3888001, MONDO:0013555, OMIM 614072.

Submissions (2):

Labcorp Genetics (formerly Invitae), Labcorp
Classification: Pathogenic. Last evaluated: 2026-01-16. Review status: criteria provided, single submitter. Criteria: Invitae Variant Classification Sherloc (09022015). Collection method: clinical testing. Allele origin: germline.
Comment: This sequence change affects a donor splice site in intron 14 of the HPS3 gene. RNA analysis indicates that disruption of this splice site induces altered splicing and likely results in a shortened protein product. The frequency data for this variant in the population databases is considered unreliable, as metrics indicate poor data quality at this position in the gnomAD database. Disruption of this splice site has been observed in individual(s) with Hermansky-Pudlak syndrome (PMID: 11590544, 31898847). In at least one individual the data is consistent with being in trans (on the opposite chromosome) from a pathogenic variant. It has also been observed to segregate with disease in related individuals. ClinVar contains an entry for this variant (Variation ID: 1453955). Studies have shown that disruption of this splice site results in skipping of exon 14, but is expected to preserve the integrity of the reading-frame (PMID: 11590544). For these reasons, this variant has been classified as Pathogenic.

Fulgent Genetics
Classification: Likely pathogenic for Hermansky-Pudlak syndrome 3. Last evaluated: 2024-01-05. Review status: criteria provided, single submitter. Criteria: ACMG Guidelines, 2015. Collection method: clinical testing. Allele origin: germline.

Literature cited by the submitters: PubMed 11590544 (cited by Labcorp Genetics (formerly Invitae), Labcorp); PubMed 31898847 (cited by Labcorp Genetics (formerly Invitae), Labcorp).

NM_032383.5(HPS3):c.2589+1G>A

Genes: CP (ceruloplasmin; minus strand), HPS3 (HPS3 biogenesis of lysosomal organelles complex 2 subunit 1; plus strand). Cytogenetic location: 3q24.
Variant type: single nucleotide variant.
Coding change: c.2589+1G>A on transcript NM_032383.5 (MANE Select); the canonical splice donor site of the intron after coding-DNA position 2589, G replaced by A.
Molecular consequence: splice donor variant.
Genome position (GRCh38, 1-based): chr3:149,163,950, G>A. VCF-style: chr3-149163950-G-A. GRCh37 (hg19) VCF-style: chr3-148881737-G-A.
Other names: c.2094+1G>A (NM_001308258.2).
Identifiers: ClinVar variation 1453955 (VCV001453955.7), dbSNP rs281865095, ClinGen allele CA354924906.
Genomic context (GRCh38, chr3:149,163,950, plus strand): 5'-GTAATATCATCTGATTCTTTAGCTGATAAAAATTATACAGAAGATCTTTCAAAATTACAG[G>A]TAAGTAAAAATACCTCCTTTTCTTATGAAATTGCATATTACAATATAGTGTAAGATTAAA-3'